The following is an entry in ClinVar:

NM_015046.7(SETX):c.7164G>A (p.Thr2388=)

Gene: SETX (senataxin; minus strand). Cytogenetic location: 9q34.13.
Variant type: single nucleotide variant.
Coding change: c.7164G>A on transcript NM_015046.7 (MANE Select); coding-DNA position 7164, G replaced by A.
Protein change: p.Thr2388=; no amino-acid change (threonine 2388 retained).
Molecular consequence: synonymous variant.
Genome position (GRCh38, 1-based): chr9:132,271,745, C>T on the plus strand (G>A on the coding strand, the complement: SETX is on the minus strand). VCF-style: chr9-132271745-C-T. GRCh37 (hg19) VCF-style: chr9-135147132-C-T.
Other names: c.7164G>A (NM_015046.5); c.7164G>A, p.Thr2388= (NM_001351527.2, NM_001351528.2).
Identifiers: ClinVar variation 1124526 (VCV001124526.10), dbSNP rs368602563, ClinGen allele CA5296489.
Genomic context (GRCh38, chr9:132,271,745, plus strand): 5'-AAGAGCAACAATGACAGTAACTCACCCAATTGAACCTTGGATGCTATTTGCTCTGACACA[C>T]GTAACAATAACACAATCCTTCTGCCGACCCTGGAATGCATCCACAGTGTCTACTTCTGCT-3'
Protein context (NP_055861.3, residues 2378-2398): QGRQKDCVIV[Thr2388=]CVRANSIQGS

ClinVar aggregate classification (germline): Likely benign. Review status: criteria provided, single submitter (1 of 4 stars). 2 submissions from 2 submitters: Likely benign (1). 1 of the submissions does not count toward it. Last evaluated 2025-07-06.

Conditions:
SETX-related disorder. Also called: SETX-related disorders; SETX-related condition. Identifiers: MedGen CN239403.
Amyotrophic lateral sclerosis type 4 (ALS4). Also called: AMYOTROPHIC LATERAL SCLEROSIS 4, JUVENILE; NEURONOPATHY, DISTAL HEREDITARY MOTOR, WITH PYRAMIDAL FEATURES. Identifiers: Orphanet 357043, MedGen C1865409, MONDO:0011223, OMIM 602433.
Spinocerebellar ataxia, autosomal recessive, with axonal neuropathy 2 (SCAN2). Also called: Ataxia with Oculomotor Apraxia; Ataxia-ocular apraxia-2; ATAXIA-OCULOMOTOR APRAXIA 2; Ataxia with Oculomotor Apraxia Type 2. Identifiers: Orphanet 64753, MedGen C1853761, MONDO:0018996, OMIM 606002.

Allele frequency attached by ClinVar (database versions not stated): ESP Exome Variant Server 0.00008.

Submissions (2):

Labcorp Genetics (formerly Invitae), Labcorp
Classification: Likely benign for Amyotrophic lateral sclerosis type 4; Spinocerebellar ataxia, autosomal recessive, with axonal neuropathy 2. Last evaluated: 2025-07-06. Review status: criteria provided, single submitter. Criteria: Invitae Variant Classification Sherloc (09022015). Collection method: clinical testing. Allele origin: germline.

PreventionGenetics, part of Exact Sciences
Classification: Likely benign for SETX-related condition. Last evaluated: 2023-03-22. Review status: no assertion criteria provided. Collection method: clinical testing. Allele origin: germline. Not counted in ClinVar's aggregate classification.
Comment: This variant is classified as likely benign based on ACMG/AMP sequence variant interpretation guidelines (Richards et al. 2015 PMID: 25741868, with internal and published modifications).